The following is an entry in ClinVar:

ClinVar aggregate classification (germline): Pathogenic. Review status: reviewed by expert panel (3 of 4 stars). 2 submissions from 2 submitters: Pathogenic (1). 1 of the submissions does not count toward it. Last evaluated 2017-12-15.

Conditions:
Hereditary breast ovarian cancer syndrome. Also called: Hereditary breast and ovarian cancer; Breast and ovarian cancer; BRCA1- and BRCA2-Associated Hereditary Breast and Ovarian Cancer; Hereditary breast and ovarian cancer syndrome; Hereditary breast and ovarian cancer syndrome (HBOC); Hereditary breast and/or ovarian cancer syndrome. Identifiers: Orphanet 145, MedGen C0677776, MeSH D061325, MONDO:0003582. Disease mechanism: loss of function.
Breast-ovarian cancer, familial, susceptibility to, 2 (BROVCA2). Also called: BRCA2 Hereditary Breast and Ovarian Cancer. Identifiers: Orphanet 145, MedGen C2675520, MONDO:0012933, OMIM 612555. Disease mechanism: loss of function.

Submissions (2):

Evidence-based Network for the Interpretation of Germline Mutant Alleles (ENIGMA)
Classification: Pathogenic for Breast-ovarian cancer, familial, susceptibility to, 2. Last evaluated: 2017-12-15. Review status: reviewed by expert panel. Criteria: ENIGMA BRCA1/2 Classification Criteria (2017-06-29). Collection method: curation. Allele origin: germline. Study: ENIGMA.
Comment: Variant allele predicted to encode a truncated non-functional protein.

Labcorp Genetics (formerly Invitae), Labcorp
Classification: Pathogenic for Hereditary breast ovarian cancer syndrome. Last evaluated: 2016-01-07. Review status: criteria provided, single submitter. Criteria: Invitae Variant Classification Sherloc (09022015). Collection method: clinical testing. Allele origin: germline. Not counted in ClinVar's aggregate classification.
Comment: For these reasons, this variant has been classified as Pathogenic. While this particular variant has not been reported in the literature, truncating variants in BRCA2 are known to be pathogenic (PMID: 20104584). This sequence change inserts 1 nucleotide in exon 11 of the BRCA2 mRNA (c.6233dupG), causing a frameshift at codon 2079. This creates a premature translational stop signal (p.Val2079Serfs*6) and is expected to result in an absent or disrupted protein product.

Literature cited by the submitters: PubMed 20104584 (cited by Labcorp Genetics (formerly Invitae), Labcorp).

NM_000059.4(BRCA2):c.6233dup (p.Val2079fs)

Gene: BRCA2 (BRCA2 DNA repair associated; plus strand). Cytogenetic location: 13q13.1.
Variant type: Duplication.
Coding change: c.6233dup on transcript NM_000059.4 (MANE Select); coding-DNA position 6233, one base duplicated (G; older notation c.6233dupG).
Protein change: p.Val2079fs; shifts the reading frame from valine 2079.
Molecular consequence: frameshift variant.
Genome position (GRCh38, 1-based): chr13:32,340,588, G duplicated; the last of 3 consecutive G bases (chr13:32,340,586-32,340,588); duplicating any one gives the same sequence. VCF-style (leftmost placement, unchanged base first): chr13-32340585-A-AG. GRCh37 (hg19) VCF-style: chr13-32914722-A-AG.
Other names: c.6233dupG (NM_000059.3); short protein forms V2079fs.
Identifiers: ClinVar variation 236888 (VCV000236888.7), dbSNP rs878853595, ClinGen allele CA10583118.